The following is an entry in ClinVar:

ClinVar aggregate classification (germline): Pathogenic. Review status: criteria provided, multiple submitters, no conflicts (2 of 4 stars). 9 submissions from 9 submitters: Pathogenic (8). 1 of the submissions does not count toward it. Last evaluated 2025-10-15.

Conditions:
CAPN3-related disorder. Also called: CAPN3-related disorders; CAPN3-related condition. Identifiers: MedGen CN239245.
Muscular dystrophy, limb-girdle, autosomal dominant 4. Also called: Calpain-3-related limb-girdle muscular dystrophy D4; MUSCULAR DYSTROPHY, LIMB-GIRDLE, TYPE 1I. Identifiers: Orphanet 565909, MedGen C4748295, MONDO:0029133, OMIM 618129.
Autosomal recessive limb-girdle muscular dystrophy type 2A (LGMDR1). Also called: LEYDEN-MOEBIUS MUSCULAR DYSTROPHY; MUSCULAR DYSTROPHY, PELVOFEMORAL; Muscular dystrophy, limb-girdle, type 2A, Amish; Calpainopathy; Limb-girdle muscular dystrophy, type 2A. Identifiers: Orphanet 267, MedGen C1869123, MONDO:0009675, OMIM 253600. Disease mechanism: loss of function.

Submissions (9):

Women's Health and Genetics/Laboratory Corporation of America, LabCorp
Classification: Pathogenic for Autosomal recessive limb-girdle muscular dystrophy type 2A. Last evaluated: 2025-10-15. Review status: criteria provided, single submitter. Criteria: LabCorp Variant Classification Summary - May 2015. Collection method: clinical testing. Allele origin: germline.
Comment: Variant summary: CAPN3 c.1043delG (p.Gly348ValfsX4) results in a premature termination codon, predicted to cause a truncation of the encoded protein or absence of the protein due to nonsense mediated decay, which are commonly known mechanisms for disease. The variant allele was found at a frequency of 2.4e-05 in 166844 control chromosomes. c.1043delG has been observed in compound heterozygous individuals affected with Autosomal recessive limb-girdle muscular dystrophy type 2A (e.g. Zidkova_2023). These data indicate that the variant is likely to be associated with disease. To our knowledge, no experimental evidence demonstrating an impact on protein function has been reported. The following publication has been ascertained in the context of this evaluation (PMID: 37526466). ClinVar contains an entry for this variant (Variation ID: 286813). Based on the evidence outlined above, the variant was classified as pathogenic.

Natera, Inc.
Classification: Pathogenic for Limb-girdle muscular dystrophy type 2A. Last evaluated: 2025-07-09. Review status: criteria provided, single submitter. Criteria: Natera Variant Classification Schema (03/2026). Collection method: clinical testing. Allele origin: germline.
Comment: The c.1043delG variant in CAPN3 is a frameshift variant predicted to shift the reading frame beginning at codon 348 and leads to a stop codon 4 codons downstream. This variant is expected to result in nonsense mediated decay, truncation, or a dysfunctional protein product. This variant is rare in the general population with a frequency below the threshold expected for the associated phenotype(s). This variant has been observed in one or more individuals affected with the associated recessive disease, as either homozygous or compound heterozygous with a second variant (PMID: 25135358). Given the available evidence, this variant is classified as Pathogenic.

Labcorp Genetics (formerly Invitae), Labcorp
Classification: Pathogenic for Autosomal recessive limb-girdle muscular dystrophy type 2A. Last evaluated: 2025-06-09. Review status: criteria provided, single submitter. Criteria: Invitae Variant Classification Sherloc (09022015). Collection method: clinical testing. Allele origin: germline.
Comment: This sequence change creates a premature translational stop signal (p.Gly348Valfs*4) in the CAPN3 gene. It is expected to result in an absent or disrupted protein product. Loss-of-function variants in CAPN3 are known to be pathogenic (PMID: 10330340, 15689361). This variant is present in population databases (rs781013226, gnomAD 0.006%). This premature translational stop signal has been observed in individuals with autosomal recessive limb girdle muscular dystrophy (PMID: 15733273, 25135358). ClinVar contains an entry for this variant (Variation ID: 286813). For these reasons, this variant has been classified as Pathogenic.

Blueprint Genetics
Classification: Pathogenic for CAPN3-related disorders. Last evaluated: 2024-05-23. Review status: criteria provided, single submitter. Criteria: ACMG Guidelines, 2015. Collection method: clinical testing. Allele origin: germline. Affected: yes. Observed: 5 variant alleles.

Baylor Genetics
Classification: Pathogenic for Muscular dystrophy, limb-girdle, autosomal dominant 4. Last evaluated: 2024-03-28. Review status: criteria provided, single submitter. Criteria: ACMG Guidelines, 2015. Collection method: clinical testing. Allele origin: unknown.

Revvity Omics, Revvity
Classification: Pathogenic. Last evaluated: 2019-08-07. Review status: criteria provided, single submitter. Criteria: ACMG Guidelines, 2015. Collection method: clinical testing. Allele origin: germline.

Broad Center for Mendelian Genomics, Broad Institute of MIT and Harvard
Classification: Pathogenic for Autosomal recessive limb-girdle muscular dystrophy type 2A. Last evaluated: 2018-12-03. Review status: criteria provided, single submitter. Criteria: ACMG Guidelines, 2015. Collection method: research. Allele origin: germline. Inheritance: Autosomal recessive inheritance. Affected: yes.
Comment: This variant has been identified in 0.002838% (3/105690) of European (non-Finnish) chromosomes in the Genome Aggregation Database (gnomAD; dbSNP rs781013226). Although this variant has been seen in the general population, its frequency is low enough to be consistent with a recessive carrier frequency. This variant is predicted to cause a frameshift, which alters the protein's amino acid sequence beginning at position 348 and leads to a premature termination codon 4 amino acids downstream. This alteration is then predicted to lead to a truncated or absent protein. Loss of function of the CAPN3 gene is an established disease mechanism in autosomal recessive LGMD. In summary, this variant meets criteria to be classified as pathogenic for LGMD in an autosomal recessive manner based on the predicted impact of the variant and the presence of another likely pathogenic variant in an individual with Limb-Girdle Muscular Dystrophy. ACMG/AMP Criteria applied: PM2, PVS1, PM3_Supporting (Richards 2015).

Eurofins Ntd Llc (ga)
Classification: Pathogenic. Last evaluated: 2016-03-17. Review status: criteria provided, single submitter. Criteria: EGL Classification Definitions 2015. Collection method: clinical testing. Allele origin: germline. Observed: 1 variant allele, 1 heterozygote.

Counsyl
Classification: Pathogenic for Autosomal recessive limb-girdle muscular dystrophy type 2A. Last evaluated: 2017-11-30. Review status: no assertion criteria provided. Collection method: clinical testing. Allele origin: unknown. Not counted in ClinVar's aggregate classification.

Literature cited by the submitters: PubMed 37526466 (cited by Women's Health and Genetics/Laboratory Corporation of America, LabCorp); PubMed 25135358 (cited by 3 submitters); PubMed 10330340 (cited by Labcorp Genetics (formerly Invitae), Labcorp); PubMed 15689361 (cited by Labcorp Genetics (formerly Invitae), Labcorp); PubMed 15733273 (cited by Labcorp Genetics (formerly Invitae), Labcorp and Counsyl).

NM_000070.3(CAPN3):c.1043del (p.Gly348fs)

Gene: CAPN3 (calpain 3; plus strand). Cytogenetic location: 15q15.1.
Variant type: Deletion.
Coding change: c.1043del on transcript NM_000070.3 (MANE Select); coding-DNA position 1043, one base deleted (G; older notation c.1043delG).
Protein change: p.Gly348fs; shifts the reading frame from glycine 348.
Molecular consequence: frameshift variant.
Genome position (GRCh38, 1-based): chr15:42,394,269, G deleted; the last of 2 consecutive G bases (chr15:42,394,268-42,394,269); deleting either gives the same sequence. VCF-style (leftmost placement, unchanged base first): chr15-42394267-AG-A. GRCh37 (hg19) VCF-style: chr15-42686465-AG-A.
Other names: c.1043del (NM_000070.2); c.1043delG (NM_000070.3); c.1043del, p.Gly348fs (NM_024344.2); c.899del, p.Gly300fs (NM_173087.2); short protein forms G300fs, G348fs.
Identifiers: ClinVar variation 286813 (VCV000286813.25), dbSNP rs781013226, ClinGen allele CA7511233.